The following is an entry in ClinVar:

ClinVar aggregate classification (germline): Uncertain significance (1 of 4 stars; one submission).

Allele frequency attached by ClinVar (database versions not stated): gnomAD exomes below 0.00001.
gnomAD v4.1: 1 of 1,614,038 alleles (0.000062%); highest among the groups gnomAD compares: East Asian, 0.0022%; no homozygotes.

Submission:

Labcorp Genetics (formerly Invitae), Labcorp
Classification: Uncertain significance. Last evaluated: 2022-07-26. Review status: criteria provided, single submitter. Criteria: Invitae Variant Classification Sherloc (09022015). Collection method: clinical testing. Allele origin: germline.
Comment: This sequence change replaces threonine, which is neutral and polar, with isoleucine, which is neutral and non-polar, at codon 1998 of the CACNA1D protein (p.Thr1998Ile). In summary, the available evidence is currently insufficient to determine the role of this variant in disease. Therefore, it has been classified as a Variant of Uncertain Significance. Algorithms developed to predict the effect of missense changes on protein structure and function are either unavailable or do not agree on the potential impact of this missense change (SIFT: "Deleterious"; PolyPhen-2: "Benign"; Align-GVGD: "Class C0"). ClinVar contains an entry for this variant (Variation ID: 1384652). This variant has not been reported in the literature in individuals affected with CACNA1D-related conditions. This variant is not present in population databases (gnomAD no frequency).

NM_001128840.3(CACNA1D):c.5933C>T (p.Thr1978Ile)

Gene: CACNA1D (calcium voltage-gated channel subunit alpha1 D; plus strand). Cytogenetic location: 3p21.1.
Variant type: single nucleotide variant.
Coding change: c.5933C>T on transcript NM_001128840.3 (MANE Select); coding-DNA position 5933, C replaced by T.
Protein change: p.Thr1978Ile; replaces threonine 1978 with isoleucine.
Molecular consequence: missense variant.
Genome position (GRCh38, 1-based): chr3:53,810,039, C>T. VCF-style: chr3-53810039-C-T. GRCh37 (hg19) VCF-style: chr3-53844066-C-T.
Other names: c.5993C>T, p.Thr1998Ile (NM_000720.4); c.5861C>T, p.Thr1954Ile (NM_001128839.3); short protein forms T1998I, T1954I, T1978I.
Identifiers: ClinVar variation 1384652 (VCV001384652.6), dbSNP rs2095588203, ClinGen allele CA353258005.